The following is an entry in ClinVar:

NM_003743.5(NCOA1):c.2588C>G (p.Ser863Cys)

Gene: NCOA1 (nuclear receptor coactivator 1; plus strand). Cytogenetic location: 2p23.3.
Variant type: single nucleotide variant.
Coding change: c.2588C>G on transcript NM_003743.5 (MANE Select); coding-DNA position 2588, C replaced by G.
Protein change: p.Ser863Cys; replaces serine 863 with cysteine.
Molecular consequence: missense variant.
Genome position (GRCh38, 1-based): chr2:24,711,100, C>G. VCF-style: chr2-24711100-C-G. GRCh37 (hg19) VCF-style: chr2-24933969-C-G.
Other names: c.2588C>G, p.Ser863Cys (NM_001362950.1, NM_001362952.1, NM_001362954.1 and 3 more transcripts); short protein forms S863C.
Identifiers: ClinVar variation 5002078 (VCV005002078.1).

ClinVar aggregate classification (germline): Uncertain significance (1 of 4 stars; one submission).

Conditions:
NCOA1-related disorder. Also called: NCOA1-related condition.

Submission:

PreventionGenetics, part of Exact Sciences
Classification: Uncertain significance for NCOA1-related condition. Last evaluated: 2025-01-03. Review status: criteria provided, single submitter. Criteria: ACMG Guidelines, 2015. Collection method: clinical testing. Allele origin: germline.
Comment: The NCOA1 c.2588C>G variant is predicted to result in the amino acid substitution p.Ser863Cys. To our knowledge, this variant has not been reported in the literature or in a large population database (gnomAD), indicating this variant is rare. At this time, the clinical significance of this variant is uncertain due to the absence of conclusive functional and genetic evidence.